The following is an entry in ClinVar:

ClinVar aggregate classification (germline): Conflicting classifications of pathogenicity. Review status: criteria provided, conflicting classifications (1 of 4 stars). 2 submissions from 2 submitters: Uncertain significance (1); Benign (1). Last evaluated 2025-11-22.

Allele frequency attached by ClinVar (database versions not stated): ESP Exome Variant Server 0.00015.
gnomAD v4.1: 312 of 1,613,988 alleles (0.019%); highest among the groups gnomAD compares: Admixed American, 0.0033%; 1 homozygote.

Submissions (2):

Labcorp Genetics (formerly Invitae), Labcorp
Classification: Benign. Last evaluated: 2025-11-22. Review status: criteria provided, single submitter. Criteria: Invitae Variant Classification Sherloc (09022015). Collection method: clinical testing. Allele origin: germline.

Women's Health and Genetics/Laboratory Corporation of America, LabCorp
Classification: Uncertain significance. Last evaluated: 2023-10-25. Review status: criteria provided, single submitter. Criteria: LabCorp Variant Classification Summary - May 2015. Collection method: clinical testing. Allele origin: germline.
Comment: Variant summary: ANO6 c.2107G>T (p.Ala703Ser) results in a conservative amino acid change in the encoded protein sequence. Three of five in-silico tools predict a benign effect of the variant on protein function. The variant allele was found at a frequency of 0.00039 in 251262 control chromosomes. To our knowledge, no occurrence of c.2107G>T in individuals affected with SCOTT SYNDROME and no experimental evidence demonstrating its impact on protein function have been reported. One submitter has cited clinical-significance assessments for this variant to ClinVar after 2014 and has classified the variant as benign. Based on the evidence outlined above, the variant was classified as uncertain significance.

NM_001025356.3(ANO6):c.2107G>T (p.Ala703Ser)

Gene: ANO6 (anoctamin 6; plus strand). Cytogenetic location: 12q12.
Variant type: single nucleotide variant.
Coding change: c.2107G>T on transcript NM_001025356.3 (MANE Select); coding-DNA position 2107, G replaced by T.
Protein change: p.Ala703Ser; replaces alanine 703 with serine.
Molecular consequence: missense variant.
Genome position (GRCh38, 1-based): chr12:45,416,794, G>T. VCF-style: chr12-45416794-G-T. GRCh37 (hg19) VCF-style: chr12-45810577-G-T.
Other names: c.2053G>T, p.Ala685Ser (NM_001142678.2); c.2107G>T, p.Ala703Ser (NM_001142679.2); c.2170G>T, p.Ala724Ser (NM_001204803.2); c.2074G>T, p.Ala692Ser (NM_001410973.1); short protein forms A685S, A692S, A724S, A703S.
Identifiers: ClinVar variation 2084345 (VCV002084345.5), dbSNP rs202121654, ClinGen allele CA6525517.
Genomic context (GRCh38, chr12:45,416,794, plus strand): 5'-TCTTTTCCACTGGCCCCTCTGTTGGCTCTCGTGAACAATATATTGGAAATAAGAGTGGAC[G>T]CATGGAAACTGACCACCCAGTTTAGACGCCTGGTACCAGAGAAAGCCCAAGACATTGGAG-3'
Protein context (NP_001020527.2, residues 693-713): VNNILEIRVD[Ala703Ser]WKLTTQFRRL